The following is an entry in ClinVar:

ClinVar aggregate classification (germline): Uncertain significance. Review status: criteria provided, multiple submitters, no conflicts (2 of 4 stars). 4 submissions from 4 submitters: Uncertain significance (4). Last evaluated 2024-08-21.

Conditions:
Congenital myotonia, autosomal recessive form. Also called: Becker Generalized Myotonia; myotonia congenita, autosomal recessive; BECKER DISEASE. Identifiers: Orphanet 614, MedGen C0751360, MONDO:0009715, OMIM 255700.
Congenital myotonia, autosomal dominant form (THD). Also called: THOMSEN DISEASE; Myotonia congenita autosomal dominant. Identifiers: Orphanet 614, MedGen C2936781, MONDO:0008055, OMIM 160800.

Submissions (4):

GeneDx
Classification: Uncertain significance. Last evaluated: 2024-08-21. Review status: criteria provided, single submitter. Criteria: GeneDx Variant Classification Process June 2021. Collection method: clinical testing. Allele origin: germline. Affected: yes.
Comment: Not observed at significant frequency in large population cohorts (gnomAD); In silico analysis supports that this missense variant has a deleterious effect on protein structure/function; This variant is associated with the following publications: (PMID: 36964972, 28320154)

Labcorp Genetics (formerly Invitae), Labcorp
Classification: Uncertain significance for Congenital myotonia, autosomal recessive form; Congenital myotonia, autosomal dominant form. Last evaluated: 2023-12-27. Review status: criteria provided, single submitter. Criteria: Invitae Variant Classification Sherloc (09022015). Collection method: clinical testing. Allele origin: germline.
Comment: This sequence change replaces isoleucine, which is neutral and non-polar, with asparagine, which is neutral and polar, at codon 227 of the CLCN1 protein (p.Ile227Asn). This variant is not present in population databases (gnomAD no frequency). This missense change has been observed in individual(s) with autosomal dominan myotonia congenita (PMID: 28320154). ClinVar contains an entry for this variant (Variation ID: 1163875). Advanced modeling of protein sequence and biophysical properties (such as structural, functional, and spatial information, amino acid conservation, physicochemical variation, residue mobility, and thermodynamic stability) performed at Invitae indicates that this missense variant is expected to disrupt CLCN1 protein function with a positive predictive value of 80%. In summary, the available evidence is currently insufficient to determine the role of this variant in disease. Therefore, it has been classified as a Variant of Uncertain Significance.

Athena Diagnostics
Classification: Uncertain significance. Last evaluated: 2020-10-15. Review status: criteria provided, single submitter. Criteria: Athena Diagnostics criteria. Collection method: clinical testing. Allele origin: unknown.

Mayo Clinic Laboratories, Mayo Clinic
Classification: Uncertain significance. Last evaluated: 2019-09-25. Review status: criteria provided, single submitter. Criteria: ACMG Guidelines, 2015. Collection method: clinical testing. Allele origin: germline. Observed: 1 variant allele.

Literature cited by the submitters: PubMed 28320154 (cited by Labcorp Genetics (formerly Invitae), Labcorp and Athena Diagnostics).

NM_000083.3(CLCN1):c.680T>A (p.Ile227Asn)

Gene: CLCN1 (chloride voltage-gated channel 1; plus strand). Cytogenetic location: 7q34.
Variant type: single nucleotide variant.
Coding change: c.680T>A on transcript NM_000083.3 (MANE Select); coding-DNA position 680, T replaced by A.
Protein change: p.Ile227Asn; replaces isoleucine 227 with asparagine.
Molecular consequence: missense variant. On other transcripts: non-coding transcript variant (1).
Genome position (GRCh38, 1-based): chr7:143,321,832, T>A. VCF-style: chr7-143321832-T-A. GRCh37 (hg19) VCF-style: chr7-143018925-T-A.
Other names: short protein forms I227N.
Identifiers: ClinVar variation 1163875 (VCV001163875.9), dbSNP rs1802446540, ClinGen allele CA369685003.